The following is an entry in ClinVar:

NC_000008.10:g.(?_90993593)_(90996789_?)dup

Gene: NBN (nibrin; minus strand). Cytogenetic location: 8q21.3.
Variant type: Duplication.
Identifiers: ClinVar variation 1497479 (VCV001497479.5).

ClinVar aggregate classification (germline): Uncertain significance (1 of 4 stars; one submission).

Conditions:
Microcephaly, normal intelligence and immunodeficiency (NBS). Also called: BERLIN BREAKAGE SYNDROME; SEEMANOVA SYNDROME II; Immunodeficiency, microcephaly with normal intelligence; Ataxia telangiectasia variant V1; Nijmegen breakage syndrome; IMMUNODEFICIENCY, MICROCEPHALY, AND CHROMOSOMAL INSTABILITY. Identifiers: Orphanet 647, MedGen C0398791, MONDO:0009623, OMIM 251260.

Submission:

Labcorp Genetics (formerly Invitae), Labcorp
Classification: Uncertain significance for Microcephaly, normal intelligence and immunodeficiency. Last evaluated: 2022-01-26. Review status: criteria provided, single submitter. Criteria: Invitae Variant Classification Sherloc (09022015). Collection method: clinical testing. Allele origin: germline.
Comment: In summary, the available evidence is currently insufficient to determine the role of this variant in disease. Therefore, it has been classified as a Variant of Uncertain Significance. This variant has not been reported in the literature in individuals affected with NBN-related conditions. This variant results in a copy number gain of the genomic region encompassing exon(s) 1-3 of the NBN gene. This region includes the initiator codon of the gene. This copy number gain extends beyond the assayed region for this gene and therefore may encompass additional genes. As the precise location of this event is unknown, it may be in tandem or it may be located elsewhere in the genome.